The following is an entry in ClinVar:

NM_001077653.2(TBX20):c.203G>T (p.Gly68Val)

Gene: TBX20 (T-box transcription factor 20; minus strand). Cytogenetic location: 7p14.2.
Variant type: single nucleotide variant.
Coding change: c.203G>T on transcript NM_001077653.2 (MANE Select); coding-DNA position 203, G replaced by T.
Protein change: p.Gly68Val; replaces glycine 68 with valine.
Molecular consequence: missense variant.
Genome position (GRCh38, 1-based): chr7:35,250,128, C>A on the plus strand (G>T on the coding strand, the complement: TBX20 is on the minus strand). VCF-style: chr7-35250128-C-A. GRCh37 (hg19) VCF-style: chr7-35289740-C-A.
Other names: c.203G>T, p.Gly68Val (NM_001166220.1); short protein forms G68V.
Identifiers: ClinVar variation 2196107 (VCV002196107.4), dbSNP rs763145312, ClinGen allele CA4217558.

ClinVar aggregate classification (germline): Uncertain significance (1 of 4 stars; one submission).

Allele frequency attached by ClinVar (database versions not stated): gnomAD 0.00001; gnomAD exomes 0.00002; ExAC 0.00003.
gnomAD v4.1: 26 of 1,613,794 alleles (0.0016%); highest among the groups gnomAD compares: South Asian, 0.029%; no homozygotes.

Submission:

Labcorp Genetics (formerly Invitae), Labcorp
Classification: Uncertain significance. Last evaluated: 2022-04-09. Review status: criteria provided, single submitter. Criteria: Invitae Variant Classification Sherloc (09022015). Collection method: clinical testing. Allele origin: germline.
Comment: In summary, the available evidence is currently insufficient to determine the role of this variant in disease. Therefore, it has been classified as a Variant of Uncertain Significance. Algorithms developed to predict the effect of missense changes on protein structure and function (SIFT, PolyPhen-2, Align-GVGD) all suggest that this variant is likely to be tolerated. This variant has not been reported in the literature in individuals affected with TBX20-related conditions. This variant is present in population databases (rs763145312, gnomAD 0.02%). This sequence change replaces glycine, which is neutral and non-polar, with valine, which is neutral and non-polar, at codon 68 of the TBX20 protein (p.Gly68Val).